The following is an entry in ClinVar:

ClinVar aggregate classification (germline): Likely pathogenic (1 of 4 stars; one submission).

Conditions:
Charcot-Marie-Tooth disease type 4. Also called: Charcot-Marie-Tooth, Type 4; Charcot-Marie-Tooth disease, type IV. Identifiers: Orphanet 64749, MedGen C4082197, MONDO:0018995.

Submission:

Labcorp Genetics (formerly Invitae), Labcorp
Classification: Likely pathogenic for Charcot-Marie-Tooth disease type 4. Last evaluated: 2021-05-30. Review status: criteria provided, single submitter. Criteria: Invitae Variant Classification Sherloc (09022015). Collection method: clinical testing. Allele origin: germline.
Comment: Experimental studies and prediction algorithms are not available or were not evaluated, and the functional significance of this variant is currently unknown. This variant has not been reported in the literature in individuals with MTMR2-related conditions. This variant is a gross deletion of the genomic region encompassing exon(s) 3-15 of the MTMR2 gene. The 5' boundary is likely confined to intron 2. The 3' end of this event is unknown as it extends through the termination codon beyond the assayed region for this gene and may encompass additional genes. While this deletion is not anticipated to lead to nonsense mediated decay, it is expected to alter mRNA translation or result in a truncated protein product. This variant disrupts the p.Leu396 amino acid residue in MTMR2. Other variant(s) that disrupt this residue have been determined to be pathogenic (Invitae). This suggests that this residue is clinically significant, and that variants that disrupt this residue are likely to be disease-causing. In summary, the currently available evidence indicates that the variant is pathogenic, but additional data are needed to prove that conclusively. Therefore, this variant has been classified as Likely Pathogenic.

NC_000011.9:g.(?_95568454)_(95598860_?)del

Gene: MTMR2 (myotubularin related protein 2; minus strand). Cytogenetic location: 11q21.
Variant type: Deletion.
Identifiers: ClinVar variation 1520799 (VCV001520799.6).